The following is an entry in ClinVar:

NM_020163.3(SEMA3G):c.2231G>A (p.Arg744Gln)

Gene: SEMA3G (semaphorin 3G; minus strand). Cytogenetic location: 3p21.1.
Variant type: single nucleotide variant.
Coding change: c.2231G>A on transcript NM_020163.3 (MANE Select); coding-DNA position 2231, G replaced by A.
Protein change: p.Arg744Gln; replaces arginine 744 with glutamine.
Molecular consequence: missense variant.
Genome position (GRCh38, 1-based): chr3:52,435,721, C>T on the plus strand (G>A on the coding strand, the complement: SEMA3G is on the minus strand). VCF-style: chr3-52435721-C-T. GRCh37 (hg19) VCF-style: chr3-52469737-C-T.
Other names: short protein forms R744Q.
Identifiers: ClinVar variation 3051979 (VCV003051979.3), dbSNP rs369694713, ClinGen allele CA2437684.
Genomic context (GRCh38, chr3:52,435,721, plus strand): 5'-ATCTTCTTGCCTAGCTCCAGCCCTGCCCAGCTCTTGCCCCTGGCCTGCTTGCCCCGGCTC[C>T]GGCTCCGGAAGCAGCCTGAGCATTCCGTGGTGCCCCTGCACCACACGCGCTCACAGTACT-3'
Protein context (NP_064548.1, residues 734-754): TTECSGCFRS[Arg744Gln]SRGKQARGKS

ClinVar aggregate classification (germline): Uncertain significance (1 of 4 stars; one submission).

Conditions:
SEMA3G-related disorder. Also called: SEMA3G-related condition.

Allele frequency attached by ClinVar (database versions not stated): gnomAD exomes 0.00002; gnomAD 0.00003; TOPMed 0.00004; ExAC 0.00007; ESP Exome Variant Server 0.00008.
gnomAD v4.1: 36 of 1,613,978 alleles (0.0022%); highest among the groups gnomAD compares: Middle Eastern, 0.033%; 1 homozygote.

Submission:

PreventionGenetics, part of Exact Sciences
Classification: Uncertain significance for SEMA3G-related condition. Last evaluated: 2026-03-10. Review status: criteria provided, single submitter. Criteria: ACMG Guidelines, 2015. Collection method: clinical testing. Allele origin: germline.
Comment: The SEMA3G c.2231G>A variant is predicted to result in the amino acid substitution p.Arg744Gln. To our knowledge, this variant has not been reported in the literature. This variant is reported in 0.030% of alleles in individuals of East Asian descent in gnomAD. Although we suspect that this variant may be benign, at this time, the clinical significance of this variant is uncertain due to the absence of conclusive functional and genetic evidence.